The following is an entry in ClinVar:

ClinVar aggregate classification (germline): Benign. Review status: criteria provided, multiple submitters, no conflicts (2 of 4 stars). 2 submissions from 2 submitters: Benign (2). Last evaluated 2018-06-19.

Allele frequency attached by ClinVar (database versions not stated): gnomAD 0.32606 and 0.33303; TOPMed 0.33849; 1000 Genomes Project 30x 0.34635; 1000 Genomes Project 0.35004.
gnomAD v4.1: 480,897 of 1,294,130 alleles (37%); highest among the groups gnomAD compares: Admixed American, 53%; 92,227 homozygotes.

Submissions (2):

GeneDx
Classification: Benign. Last evaluated: 2018-06-19. Review status: criteria provided, single submitter. Criteria: GeneDx Variant Classification (06012015). Collection method: clinical testing. Allele origin: germline. Affected: yes.
Comment: This variant is considered likely benign or benign based on one or more of the following criteria: it is a conservative change, it occurs at a poorly conserved position in the protein, it is predicted to be benign by multiple in silico algorithms, and/or has population frequency not consistent with disease.

Breakthrough Genomics
Classification: Benign. Review status: criteria provided, single submitter. Criteria: ACMG Guidelines, 2015. Collection method: not provided. Allele origin: germline. Inheritance: Unknown mechanism. Affected: yes.

NM_001886.3(CRYBA4):c.40-70C>T

Gene: CRYBA4 (crystallin beta A4; plus strand). Cytogenetic location: 22q12.1.
Variant type: single nucleotide variant.
Coding change: c.40-70C>T on transcript NM_001886.3 (MANE Select); 70 bases into the intron before coding-DNA position 40, C replaced by T.
Molecular consequence: intron variant.
Genome position (GRCh38, 1-based): chr22:26,623,164, C>T. VCF-style: chr22-26623164-C-T. GRCh37 (hg19) VCF-style: chr22-27019128-C-T.
Identifiers: ClinVar variation 677163 (VCV000677163.2), dbSNP rs2071860, ClinGen allele CA14937015.